The following is an entry in ClinVar:

ClinVar aggregate classification (germline): Benign (1 of 4 stars; one submission).

Allele frequency attached by ClinVar (database versions not stated): 1000 Genomes Project 30x 0.19878; gnomAD 0.19939 and 0.20227; 1000 Genomes Project 0.19988; TOPMed 0.20108.
gnomAD v4.1: 30,805 of 152,204 alleles (20%); highest among the groups gnomAD compares: Admixed American, 26%; 3,312 homozygotes.

Submission:

GeneDx
Classification: Benign. Last evaluated: 2018-06-14. Review status: criteria provided, single submitter. Criteria: GeneDx Variant Classification (06012015). Collection method: clinical testing. Allele origin: germline. Affected: yes.
Comment: This variant is considered likely benign or benign based on one or more of the following criteria: it is a conservative change, it occurs at a poorly conserved position in the protein, it is predicted to be benign by multiple in silico algorithms, and/or has population frequency not consistent with disease.

NM_014244.5(ADAMTS2):c.534+283G>T

Gene: ADAMTS2 (ADAM metallopeptidase with thrombospondin type 1 motif 2; minus strand). Cytogenetic location: 5q35.3.
Variant type: single nucleotide variant.
Coding change: c.534+283G>T on transcript NM_014244.5 (MANE Select); 283 bases into the intron after coding-DNA position 534, G replaced by T.
Molecular consequence: intron variant.
Genome position (GRCh38, 1-based): chr5:179,343,484, C>A on the plus strand (G>T on the coding strand, the complement: ADAMTS2 is on the minus strand). VCF-style: chr5-179343484-C-A. GRCh37 (hg19) VCF-style: chr5-178770485-C-A.
Other names: c.534+283G>T (NM_021599.4).
Identifiers: ClinVar variation 682684 (VCV000682684.1), dbSNP rs12513486, ClinGen allele CA12126967.